The following is an entry in ClinVar:

ClinVar aggregate classification (germline): Benign. Review status: criteria provided, multiple submitters, no conflicts (2 of 4 stars). 4 submissions from 4 submitters: Benign (3). 1 of the submissions does not count toward it. Last evaluated 2026-01-28.

Conditions:
NPR3-related disorder. Also called: NPR3-related condition.

Allele frequency attached by ClinVar (database versions not stated): ESP Exome Variant Server 0.04281; gnomAD exomes 0.00347 and 0.00967; 1000 Genomes Project 0.04513; gnomAD 0.03986 and 0.03728; 1000 Genomes Project 30x 0.04966; ExAC 0.01285; TOPMed 0.04194.
gnomAD v4.1: 10,926 of 1,613,512 alleles (0.68%); highest among the groups gnomAD compares: African/African-American, 13%; 649 homozygotes.

Submissions (4):

Labcorp Genetics (formerly Invitae), Labcorp
Classification: Benign. Last evaluated: 2026-01-28. Review status: criteria provided, single submitter. Criteria: Invitae Variant Classification Sherloc (09022015). Collection method: clinical testing. Allele origin: germline.

GeneDx
Classification: Benign. Last evaluated: 2021-05-06. Review status: criteria provided, single submitter. Criteria: GeneDx Variant Classification Process June 2021. Collection method: clinical testing. Allele origin: germline. Affected: yes.

Breakthrough Genomics
Classification: Benign. Review status: criteria provided, single submitter. Criteria: ACMG Guidelines, 2015. Collection method: not provided. Allele origin: germline. Inheritance: Autosomal recessive inheritance. Affected: yes.

PreventionGenetics, part of Exact Sciences
Classification: Benign for NPR3-related condition. Last evaluated: 2019-07-30. Review status: no assertion criteria provided. Collection method: clinical testing. Allele origin: germline. Not counted in ClinVar's aggregate classification.
Comment: This variant is classified as benign based on ACMG/AMP sequence variant interpretation guidelines (Richards et al. 2015 PMID: 25741868, with internal and published modifications).

NM_001204375.2(NPR3):c.237T>C (p.Ala79=)

Genes: NPR3 (natriuretic peptide receptor 3; plus strand), LOC123493284 (Sharpr-MPRA regulatory region 158; plus strand). Cytogenetic location: 5p13.3.
Variant type: single nucleotide variant.
Coding change: c.237T>C on transcript NM_001204375.2 (MANE Select); coding-DNA position 237, T replaced by C.
Protein change: p.Ala79=; no amino-acid change (alanine 79 retained).
Molecular consequence: synonymous variant. On other transcripts: intron variant (4).
Genome position (GRCh38, 1-based): chr5:32,712,013, T>C. VCF-style: chr5-32712013-T-C. GRCh37 (hg19) VCF-style: chr5-32712119-T-C.
Other names: c.237T>C, p.Ala79= (NM_000908.4); c.50-12685T>C (NM_001364458.2); c.121+1230T>C (NM_001363652.2, NM_001204376.2, NM_001364460.2); c.237T>C (NM_001204375.1).
Identifiers: ClinVar variation 1233804 (VCV001233804.14), dbSNP rs6859964, ClinGen allele CA3222341.